The following is an entry in ClinVar:

NC_000015.10:g.(?_72715271)_(72716870_?)del

Gene: BBS4 (Bardet-Biedl syndrome 4; plus strand). Cytogenetic location: 15q24.1.
Variant type: Deletion.
Identifiers: ClinVar variation 639863 (VCV000639863.7).

ClinVar aggregate classification (germline): Pathogenic (1 of 4 stars; one submission).

Conditions:
Bardet-Biedl syndrome (BBS). Identifiers: Orphanet 110, MedGen C0752166, MONDO:0015229.

Submission:

Labcorp Genetics (formerly Invitae), Labcorp
Classification: Pathogenic for Bardet-Biedl syndrome. Last evaluated: 2023-11-10. Review status: criteria provided, single submitter. Criteria: Invitae Variant Classification Sherloc (09022015). Collection method: clinical testing. Allele origin: germline.
Comment: This variant is a gross deletion of the genomic region encompassing exon(s) 5-6 of the BBS4 gene. This deletion is out-of-frame, and is expected to create a premature termination codon and result in an absent or disrupted protein product. Loss-of-function variants in BBS4 are known to be pathogenic (PMID: 11381270, 12016587, 20177705, 27894351). A similar copy number variant has been observed in individuals with Bardet-Biedl syndrome (PMID: 27486776). For these reasons, this variant has been classified as Pathogenic.

Literature cited by the submitters: PubMed 11381270; PubMed 12016587; PubMed 20177705; PubMed 27894351; PubMed 27486776.